The following is an entry in ClinVar:

NM_006208.3(ENPP1):c.*2900G>T

Gene: ENPP1 (ectonucleotide pyrophosphatase/phosphodiesterase 1; plus strand). Cytogenetic location: 6q23.2.
Variant type: single nucleotide variant.
Coding change: c.*2900G>T on transcript NM_006208.3 (MANE Select); 2900 bases downstream of the stop codon, G replaced by T.
Molecular consequence: 3 prime UTR variant.
Genome position (GRCh38, 1-based): chr6:131,893,411, G>T. VCF-style: chr6-131893411-G-T. GRCh37 (hg19) VCF-style: chr6-132214551-G-T.
Identifiers: ClinVar variation 355409 (VCV000355409.5), dbSNP rs78495668, ClinGen allele CA10625797.

ClinVar aggregate classification (germline): Benign. Review status: criteria provided, single submitter (1 of 4 stars). 2 submissions from 1 submitter: Benign (2). Last evaluated 2018-01-13.

Conditions:
Hypophosphatemic rickets, autosomal recessive, 2 (ARHR2). Identifiers: Orphanet 289176, MedGen C2750078, MONDO:0013219, OMIM 613312.
Arterial calcification, generalized, of infancy, 1 (GACI1). Also called: Idiopathic Infantile Arterial Calcification. Identifiers: Orphanet 51608, MedGen C4551985, MONDO:0008817, OMIM 208000.

Allele frequency attached by ClinVar (database versions not stated): gnomAD 0.01335 and 0.01409; TOPMed 0.01464; 1000 Genomes Project 0.01597; 1000 Genomes Project 30x 0.01749.

Submissions (2):

Illumina Laboratory Services, Illumina
Classification: Benign for Hypophosphatemic rickets, autosomal recessive, 2. Last evaluated: 2018-01-13. Review status: criteria provided, single submitter. Criteria: ICSL Variant Classification Criteria 13 December 2019. Collection method: clinical testing. Allele origin: germline.
Comment: This variant was observed in the ICSL laboratory as part of a predisposition screen in an ostensibly healthy population. It had not been previously curated by ICSL or reported in the Human Gene Mutation Database (HGMD: prior to June 1st, 2018), and was therefore a candidate for classification through an automated scoring system. Utilizing variant allele frequency, disease prevalence and penetrance estimates, and inheritance mode, an automated score was calculated to assess if this variant is too frequent to cause the disease. Based on the score and internal cut-off values, a variant classified as benign is not then subjected to further curation. The score for this variant resulted in a classification of benign for this disease.

Illumina Laboratory Services, Illumina
Classification: Benign for Arterial calcification, generalized, of infancy, 1. Last evaluated: 2018-01-13. Review status: criteria provided, single submitter. Criteria: ICSL Variant Classification Criteria 13 December 2019. Collection method: clinical testing. Allele origin: germline.
Comment: the same text as in the submission from Illumina Laboratory Services, Illumina above.